The following is an entry in ClinVar:

NM_006009.4(TUBA1A):c.182A>C (p.His61Pro)

Gene: TUBA1A (tubulin alpha 1a; minus strand). Cytogenetic location: 12q13.12.
Variant type: single nucleotide variant.
Coding change: c.182A>C on transcript NM_006009.4 (MANE Select); coding-DNA position 182, A replaced by C.
Protein change: p.His61Pro; replaces histidine 61 with proline.
Molecular consequence: missense variant.
Genome position (GRCh38, 1-based): chr12:49,186,655, T>G on the plus strand (A>C on the coding strand, the complement: TUBA1A is on the minus strand). VCF-style: chr12-49186655-T-G. GRCh37 (hg19) VCF-style: chr12-49580438-T-G.
Other names: c.182A>C, p.His61Pro (NM_001270399.2); c.77A>C, p.His26Pro (NM_001270400.2); short protein forms H26P, H61P.
Identifiers: ClinVar variation 2631575 (VCV002631575.1), dbSNP rs2498863339, ClinGen allele CA384644894.

ClinVar aggregate classification (germline): Likely pathogenic (1 of 4 stars; one submission).

Conditions:
TUBA1A-related disorder. Also called: TUBA1A-related condition.

Submission:

PreventionGenetics, part of Exact Sciences
Classification: Likely pathogenic for TUBA1A-related condition. Last evaluated: 2023-07-17. Review status: criteria provided, single submitter. Criteria: ACMG Guidelines, 2015. Collection method: clinical testing. Allele origin: germline.
Comment: The TUBA1A c.182A>C variant is predicted to result in the amino acid substitution p.His61Pro. To our knowledge, this variant has not been reported in the literature or in a large population database, indicating this variant is rare. This variant is interpreted as likely pathogenic.